The following is an entry in ClinVar:

NM_032444.4(SLX4):c.1714G>A (p.Val572Met)

Gene: SLX4 (SLX4 structure-specific endonuclease subunit; minus strand). Cytogenetic location: 16p13.3.
Variant type: single nucleotide variant.
Coding change: c.1714G>A on transcript NM_032444.4 (MANE Select); coding-DNA position 1714, G replaced by A.
Protein change: p.Val572Met; replaces valine 572 with methionine.
Molecular consequence: missense variant.
Genome position (GRCh38, 1-based): chr16:3,596,363, C>T on the plus strand (G>A on the coding strand, the complement: SLX4 is on the minus strand). VCF-style: chr16-3596363-C-T. GRCh37 (hg19) VCF-style: chr16-3646364-C-T.
Other names: short protein forms V572M.
Identifiers: ClinVar variation 1047249 (VCV001047249.6), dbSNP rs745678074, ClinGen allele CA7866428.
Genomic context (GRCh38, chr16:3,596,363, plus strand): 5'-TGGGGGTGCCGTGGAGAGCGGGTGACCTTCGCTCGCTCAGCTCTGAGTGCTCAGGTGGCA[C>T]CAGAGGCGGCACGGGCTCCTGCATAAGGCCCTGAAAGAAGCCAGTAAGGAGAGTGACCAC-3'
Protein context (NP_115820.2, residues 562-582): GLMQEPVPPL[Val572Met]PPEHSELSER

ClinVar aggregate classification (germline): Uncertain significance (1 of 4 stars; one submission).

Conditions:
Fanconi anemia (FA). Also called: Fanconi's anemia. Identifiers: Orphanet 84, MedGen C0015625, MeSH D005199, MONDO:0019391.

Allele frequency attached by ClinVar (database versions not stated): TOPMed 0.00002; gnomAD exomes 0.00001; ExAC 0.00002.

Submission:

Labcorp Genetics (formerly Invitae), Labcorp
Classification: Uncertain significance for Fanconi anemia. Last evaluated: 2022-11-01. Review status: criteria provided, single submitter. Criteria: Invitae Variant Classification Sherloc (09022015). Collection method: clinical testing. Allele origin: germline.
Comment: This sequence change replaces valine, which is neutral and non-polar, with methionine, which is neutral and non-polar, at codon 572 of the SLX4 protein (p.Val572Met). This variant is present in population databases (rs745678074, gnomAD 0.002%). This variant has not been reported in the literature in individuals affected with SLX4-related conditions. ClinVar contains an entry for this variant (Variation ID: 1047249). Algorithms developed to predict the effect of missense changes on protein structure and function output the following: SIFT: "Tolerated"; PolyPhen-2: "Benign"; Align-GVGD: "Class C0". The methionine amino acid residue is found in multiple mammalian species, which suggests that this missense change does not adversely affect protein function. In summary, the available evidence is currently insufficient to determine the role of this variant in disease. Therefore, it has been classified as a Variant of Uncertain Significance.